The following is an entry in ClinVar:

ClinVar aggregate classification (germline): Pathogenic (1 of 4 stars; one submission).

Conditions:
Epilepsy, childhood absence, susceptibility to, 1. Also called: Epilepsy, childhood absence 1. Identifiers: Orphanet 64280, MedGen C1838604, MONDO:0020759, OMIM 600131.
Epilepsy, childhood absence, susceptibility to, 5. Identifiers: Orphanet 64280, MedGen C2677087, MONDO:0012843, OMIM 612269.

Submission:

Labcorp Genetics (formerly Invitae), Labcorp
Classification: Pathogenic for Epilepsy, childhood absence, susceptibility to, 5; Epilepsy, childhood absence, susceptibility to, 1. Last evaluated: 2024-11-26. Review status: criteria provided, single submitter. Criteria: Invitae Variant Classification Sherloc (09022015). Collection method: clinical testing. Allele origin: germline.
Comment: This sequence change creates a premature translational stop signal (p.Arg167*) in the GABRB3 gene. It is expected to result in an absent or disrupted protein product. Loss-of-function variants in GABRB3 are known to be pathogenic (PMID: 26950270, 28053010). This variant is not present in population databases (gnomAD no frequency). This variant has not been reported in the literature in individuals affected with GABRB3-related conditions. For these reasons, this variant has been classified as Pathogenic.

Literature cited by the submitters: PubMed 26950270; PubMed 28053010.

NM_000814.6(GABRB3):c.499A>T (p.Arg167Ter)

Gene: GABRB3 (gamma-aminobutyric acid type A receptor subunit beta3; minus strand). Cytogenetic location: 15q12.
Variant type: single nucleotide variant.
Coding change: c.499A>T on transcript NM_000814.6 (MANE Select); coding-DNA position 499, A replaced by T.
Protein change: p.Arg167Ter; replaces arginine 167 with a stop codon.
Molecular consequence: nonsense.
Genome position (GRCh38, 1-based): chr15:26,583,377, T>A on the plus strand (A>T on the coding strand, the complement: GABRB3 is on the minus strand). VCF-style: chr15-26583377-T-A. GRCh37 (hg19) VCF-style: chr15-26828524-T-A.
Other names: c.244A>T, p.Arg82Ter (NM_001191320.2, NM_001278631.2); c.286A>T, p.Arg96Ter (NM_001191321.3); c.499A>T, p.Arg167Ter (NM_021912.5); short protein forms R167*, R82*, R96*.
Identifiers: ClinVar variation 3759888 (VCV003759888.2).